The following is an entry in ClinVar:

ClinVar aggregate classification (germline): Uncertain significance (1 of 4 stars; one submission).

Conditions:
GM3 synthase deficiency (SPDRS). Also called: SALT AND PEPPER MENTAL RETARDATION SYNDROME; SALT AND PEPPER DEVELOPMENTAL REGRESSION SYNDROME; AMISH INFANTILE EPILEPSY SYNDROME. Identifiers: Orphanet 171714, Orphanet 370933, MedGen C1836824, MONDO:0018274, OMIM 609056.

Allele frequency attached by ClinVar (database versions not stated): gnomAD 0.00003; gnomAD exomes 0.00005; TOPMed 0.00005; 1000 Genomes Project 30x 0.00031.
gnomAD v4.1: 61 of 1,252,180 alleles (0.0049%); highest among the groups gnomAD compares: Admixed American, 0.0082%; no homozygotes.

Submission:

Labcorp Genetics (formerly Invitae), Labcorp
Classification: Uncertain significance for GM3 synthase deficiency. Last evaluated: 2022-07-06. Review status: criteria provided, single submitter. Criteria: Invitae Variant Classification Sherloc (09022015). Collection method: clinical testing. Allele origin: germline.
Comment: This sequence change falls in intron 1 of the ST3GAL5 gene. It does not directly change the encoded amino acid sequence of the ST3GAL5 protein. It affects a nucleotide within the consensus splice site. This variant is present in population databases (no rsID available, gnomAD 0.02%). This variant has not been reported in the literature in individuals affected with ST3GAL5-related conditions. ClinVar contains an entry for this variant (Variation ID: 1035030). Variants that disrupt the consensus splice site are a relatively common cause of aberrant splicing (PMID: 17576681, 9536098). Algorithms developed to predict the effect of sequence changes on RNA splicing suggest that this variant is not likely to affect RNA splicing. In summary, the available evidence is currently insufficient to determine the role of this variant in disease. Therefore, it has been classified as a Variant of Uncertain Significance.

Literature cited by the submitters: PubMed 17576681; PubMed 9536098.

NM_003896.4(ST3GAL5):c.82+5G>T

Genes: ST3GAL5 (ST3 beta-galactoside alpha-2,3-sialyltransferase 5; minus strand), LOC129934236 (ATAC-STARR-seq lymphoblastoid silent region 11709; plus strand). Cytogenetic location: 2p11.2.
Variant type: single nucleotide variant.
Coding change: c.82+5G>T on transcript NM_003896.4 (MANE Select); 5 bases into the intron after coding-DNA position 82, G replaced by T.
Molecular consequence: intron variant.
Genome position (GRCh38, 1-based): chr2:85,888,819, C>A on the plus strand (G>T on the coding strand, the complement: ST3GAL5 is on the minus strand). VCF-style: chr2-85888819-C-A. GRCh37 (hg19) VCF-style: chr2-86115942-C-A.
Other names: c.-480+5G>T (NM_001354226.2); c.-920+5G>T (NM_001354233.2); c.-543+5G>T (NM_001354224.2); c.-190+5G>T (NM_001354227.2); c.-881+5G>T (NM_001354223.2); c.-134+5G>T (NM_001354229.2); c.82+5G>T (NM_001363847.1).
Identifiers: ClinVar variation 1035030 (VCV001035030.4), dbSNP rs1014430106, ClinGen allele CA51351159.